The following is an entry in ClinVar:

ClinVar aggregate classification (germline): Uncertain significance. Review status: criteria provided, multiple submitters, no conflicts (2 of 4 stars). 2 submissions from 2 submitters: Uncertain significance (2). Last evaluated 2025-08-25.

Conditions:
Inborn genetic diseases. Identifiers: MedGen C0950123, MeSH D030342.
Combined immunodeficiency due to DOCK8 deficiency (HIES2). Also called: HIES autosomal recessive; Hyper-IgE recurrent infection syndrome, autosomal recessive; DOCK8 Deficiency; HYPER-IgE RECURRENT INFECTION SYNDROME 2, AUTOSOMAL RECESSIVE; HYPER-IgE SYNDROME 2, AUTOSOMAL RECESSIVE, WITH RECURRENT INFECTIONS. Identifiers: Orphanet 217390, MedGen C4722305, MONDO:0009478, OMIM 243700.

Allele frequency attached by ClinVar (database versions not stated): gnomAD 0.00001; gnomAD exomes 0.00001; TOPMed 0.00001.
gnomAD v4.1: 6 of 1,614,090 alleles (0.00037%); highest among the groups gnomAD compares: Admixed American, 0.005%; no homozygotes.

Submissions (2):

Ambry Genetics
Classification: Uncertain significance for Inborn genetic diseases. Last evaluated: 2025-08-25. Review status: criteria provided, single submitter. Criteria: Ambry Variant Classification Scheme 2023. Collection method: clinical testing. Allele origin: germline.

Labcorp Genetics (formerly Invitae), Labcorp
Classification: Uncertain significance for Combined immunodeficiency due to DOCK8 deficiency. Last evaluated: 2025-05-12. Review status: criteria provided, single submitter. Criteria: Invitae Variant Classification Sherloc (09022015). Collection method: clinical testing. Allele origin: germline.
Comment: This sequence change replaces serine, which is neutral and polar, with alanine, which is neutral and non-polar, at codon 1706 of the DOCK8 protein (p.Ser1706Ala). This variant is present in population databases (no rsID available, gnomAD no frequency). This variant has not been reported in the literature in individuals affected with DOCK8-related conditions. ClinVar contains an entry for this variant (Variation ID: 2202392). Invitae Evidence Modeling of protein sequence and biophysical properties (such as structural, functional, and spatial information, amino acid conservation, physicochemical variation, residue mobility, and thermodynamic stability) indicates that this missense variant is expected to disrupt DOCK8 protein function with a positive predictive value of 80%. In summary, the available evidence is currently insufficient to determine the role of this variant in disease. Therefore, it has been classified as a Variant of Uncertain Significance.

NM_203447.4(DOCK8):c.5116T>G (p.Ser1706Ala)

Gene: DOCK8 (dedicator of cytokinesis 8; plus strand). Cytogenetic location: 9p24.3.
Variant type: single nucleotide variant.
Coding change: c.5116T>G on transcript NM_203447.4 (MANE Select); coding-DNA position 5116, T replaced by G.
Protein change: p.Ser1706Ala; replaces serine 1706 with alanine.
Molecular consequence: missense variant.
Genome position (GRCh38, 1-based): chr9:439,281, T>G. VCF-style: chr9-439281-T-G. GRCh37 (hg19) VCF-style: chr9-439281-T-G.
Other names: c.4816T>G, p.Ser1606Ala (NM_001190458.2); c.4912T>G, p.Ser1638Ala (NM_001193536.2); short protein forms S1606A, S1706A, S1638A.
Identifiers: ClinVar variation 2202392 (VCV002202392.3), dbSNP rs901337751, ClinGen allele CA187815949.